The following is an entry in ClinVar:

ClinVar aggregate classification (germline): Conflicting classifications of pathogenicity. Review status: criteria provided, conflicting classifications (1 of 4 stars). 3 submissions from 3 submitters: Uncertain significance (1); Likely benign (2). Last evaluated 2026-09-06.

Conditions:
SERPINH1-related disorder. Also called: SERPINH1-related condition.
Osteogenesis imperfecta type 10 (OI10). Also called: OI, TYPE X. Identifiers: Orphanet 666, MedGen C3151211, MONDO:0013459, OMIM 613848.

Allele frequency attached by ClinVar (database versions not stated): gnomAD 0.00004; TOPMed 0.00006; ExAC 0.00015.
gnomAD v4.1: 203 of 1,600,120 alleles (0.013%); highest among the groups gnomAD compares: Non-Finnish European, 0.017%; no homozygotes.

Submissions (3):

PreventionGenetics, part of Exact Sciences
Classification: Likely benign for SERPINH1-related condition. Last evaluated: 2026-09-06. Review status: criteria provided, single submitter. Criteria: ACMG Guidelines, 2015. Collection method: clinical testing. Allele origin: germline.
Comment: This variant is classified as likely benign based on ACMG/AMP sequence variant interpretation guidelines (Richards et al. 2015 PMID: 25741868, with internal and published modifications).

Labcorp Genetics (formerly Invitae), Labcorp
Classification: Likely benign. Last evaluated: 2021-04-06. Review status: criteria provided, single submitter. Criteria: Invitae Variant Classification Sherloc (09022015). Collection method: clinical testing. Allele origin: germline.

Illumina Laboratory Services, Illumina
Classification: Uncertain significance for Osteogenesis imperfecta type 10. Last evaluated: 2018-01-13. Review status: criteria provided, single submitter. Criteria: ICSL Variant Classification Criteria 13 December 2019. Collection method: clinical testing. Allele origin: germline.

NM_001235.5(SERPINH1):c.600A>C (p.Leu200=)

Gene: SERPINH1 (serpin family H member 1; plus strand). Cytogenetic location: 11q13.5.
Variant type: single nucleotide variant.
Coding change: c.600A>C on transcript NM_001235.5 (MANE Select); coding-DNA position 600, A replaced by C.
Protein change: p.Leu200=; no amino-acid change (leucine 200 retained).
Molecular consequence: synonymous variant.
Genome position (GRCh38, 1-based): chr11:75,566,949, A>C. VCF-style: chr11-75566949-A-C. GRCh37 (hg19) VCF-style: chr11-75277994-A-C.
Other names: c.600A>C, p.Leu200= (NM_001207014.3).
Identifiers: ClinVar variation 306106 (VCV000306106.13), dbSNP rs764723506, ClinGen allele CA6190851.